The following is an entry in ClinVar:

ClinVar aggregate classification (germline): Uncertain significance (1 of 4 stars; one submission).

gnomAD v4.1: 1 of 1,611,050 alleles (0.000062%); highest among the groups gnomAD compares: African/African-American, 0.0013%; no homozygotes.

Submission:

Dasa
Classification: Uncertain significance. Last evaluated: 2026-06-19. Review status: criteria provided, single submitter. Criteria: DASA Assertion Criteria. Collection method: clinical testing. Allele origin: germline.
Comment: NM_001110219.3(GJB6):c.233C>T (p.Ala78Val) is a missense variant that results in the substitution of alanine with valine. The affected residue or protein region has prior evidence supporting clinical relevance. This variant is rare in population databases. The currently available literature and clinical evidence are not sufficient to establish a definitive association between this variant and the reported condition. Therefore, this variant is classified as a variant of uncertain significance.

NM_001110219.3(GJB6):c.233C>T (p.Ala78Val)

Gene: GJB6 (gap junction protein beta 6; minus strand). Cytogenetic location: 13q12.11.
Variant type: single nucleotide variant.
Coding change: c.233C>T on transcript NM_001110219.3 (MANE Select); coding-DNA position 233, C replaced by T.
Protein change: p.Ala78Val; replaces alanine 78 with valine.
Molecular consequence: missense variant.
Genome position (GRCh38, 1-based): chr13:20,223,248, G>A on the plus strand (C>T on the coding strand, the complement: GJB6 is on the minus strand). VCF-style: chr13-20223248-G-A. GRCh37 (hg19) VCF-style: chr13-20797387-G-A.
Other names: c.233C>T, p.Ala78Val (NM_001110220.3, NM_001110221.3, NM_001370090.1 and 3 more transcripts); short protein forms A78V.
Identifiers: ClinVar variation 5020341 (VCV005020341.1).